The following is an entry in ClinVar:

NC_000017.10:g.(?_41226328)_(41258570_?)del

Gene: BRCA1 (BRCA1 DNA repair associated; minus strand). Cytogenetic location: 17q21.31.
Variant type: Deletion.
Identifiers: ClinVar variation 1071390 (VCV001071390.3).

ClinVar aggregate classification (germline): Pathogenic (1 of 4 stars; one submission).

Conditions:
Hereditary breast ovarian cancer syndrome. Also called: Hereditary breast and ovarian cancer syndrome (HBOC); Hereditary breast and/or ovarian cancer syndrome; Hereditary breast and ovarian cancer; BRCA1- and BRCA2-Associated Hereditary Breast and Ovarian Cancer; Hereditary breast and ovarian cancer syndrome; Breast and ovarian cancer. Identifiers: Orphanet 145, MedGen C0677776, MeSH D061325, MONDO:0003582. Disease mechanism: loss of function.

Submission:

Labcorp Genetics (formerly Invitae), Labcorp
Classification: Pathogenic for Hereditary breast ovarian cancer syndrome. Last evaluated: 2023-12-03. Review status: criteria provided, single submitter. Criteria: Invitae Variant Classification Sherloc (09022015). Collection method: clinical testing. Allele origin: germline.
Comment: This variant is a gross deletion of the genomic region encompassing exon(s) 4-14 of the BRCA1 gene. This deletion is out-of-frame, and is expected to create a premature termination codon and result in an absent or disrupted protein product. Loss-of-function variants in BRCA1 are known to be pathogenic (PMID: 20104584). This variant has not been reported in the literature in individuals affected with BRCA1-related conditions. For these reasons, this variant has been classified as Pathogenic.

Literature cited by the submitters: PubMed 20104584.